The following is an entry in ClinVar:

NM_000458.4(HNF1B):c.944T>C (p.Met315Thr)

Gene: HNF1B (HNF1 homeobox B; minus strand). Cytogenetic location: 17q12.
Variant type: single nucleotide variant.
Coding change: c.944T>C on transcript NM_000458.4 (MANE Select); coding-DNA position 944, T replaced by C.
Protein change: p.Met315Thr; replaces methionine 315 with threonine.
Molecular consequence: missense variant.
Genome position (GRCh38, 1-based): chr17:37,731,696, A>G on the plus strand (T>C on the coding strand, the complement: HNF1B is on the minus strand). VCF-style: chr17-37731696-A-G. GRCh37 (hg19) VCF-style: chr17-36091687-A-G.
Other names: c.866T>C, p.Met289Thr (NM_001165923.4, NM_001304286.2); c.944T>C, p.Met315Thr (NM_001411100.1); short protein forms M289T, M315T.
Identifiers: ClinVar variation 3340682 (VCV003340682.14).

ClinVar aggregate classification (germline): Uncertain significance. Review status: criteria provided, multiple submitters, no conflicts (2 of 4 stars). 2 submissions from 2 submitters: Uncertain significance (2). Last evaluated 2025-07-01.

gnomAD v4.1: 42 of 1,614,044 alleles (0.0026%); highest among the groups gnomAD compares: Non-Finnish European, 0.0033%; no homozygotes.

Submissions (2):

CeGaT Center for Human Genetics Tuebingen
Classification: Uncertain significance. Last evaluated: 2025-07-01. Review status: criteria provided, single submitter. Criteria: CeGaT Center For Human Genetics Tuebingen Variant Classification Criteria Version 2. Collection method: clinical testing. Allele origin: germline. Affected: yes. Observed: 2 variant alleles.

GeneDx
Classification: Uncertain significance. Last evaluated: 2023-06-26. Review status: criteria provided, single submitter. Criteria: GeneDx Variant Classification Process June 2021. Collection method: clinical testing. Allele origin: germline. Affected: yes.
Comment: Reported in one patient with antibody negative type 1 diabetes in published literature (Johnson et al., 2019); Not observed at significant frequency in large population cohorts (gnomAD); In silico analysis supports that this missense variant has a deleterious effect on protein structure/function; This variant is associated with the following publications: (PMID: 30191644)